The following is an entry in ClinVar:

NM_153240.5(NPHP3):c.3507A>T (p.Leu1169Phe)

Genes: NPHP3-ACAD11 (NPHP3-ACAD11 readthrough (NMD candidate); minus strand), NPHP3 (nephrocystin 3; minus strand). Cytogenetic location: 3q22.1.
Variant type: single nucleotide variant.
Coding change: c.3507A>T on transcript NM_153240.5 (MANE Select); coding-DNA position 3507, A replaced by T.
Protein change: p.Leu1169Phe; replaces leucine 1169 with phenylalanine.
Molecular consequence: missense variant. On other transcripts: non-coding transcript variant (1).
Genome position (GRCh38, 1-based): chr3:132,684,617, T>A on the plus strand (A>T on the coding strand, the complement: NPHP3 is on the minus strand). VCF-style: chr3-132684617-T-A. GRCh37 (hg19) VCF-style: chr3-132403461-T-A.
Other names: short protein forms L1169F.
Identifiers: ClinVar variation 1414203 (VCV001414203.6), dbSNP rs1468602074, ClinGen allele CA354578854.

ClinVar aggregate classification (germline): Uncertain significance (1 of 4 stars; one submission).

Conditions:
Nephronophthisis. Also called: Juvenile Nephronophthisis. Identifiers: Orphanet 655, MedGen C0687120, MONDO:0019005, HP:0000090.

Allele frequency attached by ClinVar (database versions not stated): gnomAD exomes 0.00001.
gnomAD v4.1: 2 of 1,614,056 alleles (0.00012%); highest among the groups gnomAD compares: Admixed American, 0.0033%; no homozygotes.

Submission:

Labcorp Genetics (formerly Invitae), Labcorp
Classification: Uncertain significance for Nephronophthisis. Last evaluated: 2021-11-24. Review status: criteria provided, single submitter. Criteria: Invitae Variant Classification Sherloc (09022015). Collection method: clinical testing. Allele origin: germline.
Comment: This sequence change replaces leucine, which is neutral and non-polar, with phenylalanine, which is neutral and non-polar, at codon 1169 of the NPHP3 protein (p.Leu1169Phe). In summary, the available evidence is currently insufficient to determine the role of this variant in disease. Therefore, it has been classified as a Variant of Uncertain Significance. Algorithms developed to predict the effect of missense changes on protein structure and function are either unavailable or do not agree on the potential impact of this missense change (SIFT: "Tolerated"; PolyPhen-2: "Possibly Damaging"; Align-GVGD: "Class C0"). This variant has not been reported in the literature in individuals affected with NPHP3-related conditions. This variant is present in population databases (no rsID available, gnomAD 0.006%).